The following is an entry in ClinVar:

NM_138413.4(HOGA1):c.269T>A (p.Leu90His)

Gene: HOGA1 (4-hydroxy-2-oxoglutarate aldolase 1; plus strand). Cytogenetic location: 10q24.2.
Variant type: single nucleotide variant.
Coding change: c.269T>A on transcript NM_138413.4 (MANE Select); coding-DNA position 269, T replaced by A.
Protein change: p.Leu90His; replaces leucine 90 with histidine.
Molecular consequence: missense variant. On other transcripts: intron variant (1).
Genome position (GRCh38, 1-based): chr10:97,598,832, T>A. VCF-style: chr10-97598832-T-A. GRCh37 (hg19) VCF-style: chr10-99358589-T-A.
Other names: c.212-3025T>A (NM_001134670.2); short protein forms L90H.
Identifiers: ClinVar variation 878139 (VCV000878139.7), dbSNP rs373226228, ClinGen allele CA5634034.

ClinVar aggregate classification (germline): Uncertain significance. Review status: criteria provided, multiple submitters, no conflicts (2 of 4 stars). 3 submissions from 3 submitters: Uncertain significance (3). Last evaluated 2025-01-13.

Conditions:
Primary hyperoxaluria type 3. Also called: PH III. Identifiers: Orphanet 416, Orphanet 93600, MedGen C3150878, MONDO:0013327, OMIM 613616. Disease mechanism: loss of function.

Allele frequency attached by ClinVar (database versions not stated): ExAC 0.00003; gnomAD 0.00003 and 0.00004; gnomAD exomes 0.00003 and 0.00004; TOPMed 0.00005; ESP Exome Variant Server 0.00008.
gnomAD v4.1: 55 of 1,613,978 alleles (0.0034%); highest among the groups gnomAD compares: Middle Eastern, 0.099%; 1 homozygote.

Submissions (3):

Labcorp Genetics (formerly Invitae), Labcorp
Classification: Uncertain significance. Last evaluated: 2025-01-13. Review status: criteria provided, single submitter. Criteria: Invitae Variant Classification Sherloc (09022015). Collection method: clinical testing. Allele origin: germline.
Comment: This sequence change replaces leucine, which is neutral and non-polar, with histidine, which is basic and polar, at codon 90 of the HOGA1 protein (p.Leu90His). This variant is present in population databases (rs373226228, gnomAD 0.007%). This variant has not been reported in the literature in individuals affected with HOGA1-related conditions. ClinVar contains an entry for this variant (Variation ID: 878139). Invitae Evidence Modeling of protein sequence and biophysical properties (such as structural, functional, and spatial information, amino acid conservation, physicochemical variation, residue mobility, and thermodynamic stability) indicates that this missense variant is expected to disrupt HOGA1 protein function with a positive predictive value of 95%. In summary, the available evidence is currently insufficient to determine the role of this variant in disease. Therefore, it has been classified as a Variant of Uncertain Significance.

Fulgent Genetics
Classification: Uncertain significance for Primary hyperoxaluria type 3. Last evaluated: 2021-10-29. Review status: criteria provided, single submitter. Criteria: ACMG Guidelines, 2015. Collection method: clinical testing. Allele origin: unknown.

Illumina Laboratory Services, Illumina
Classification: Uncertain significance for Primary hyperoxaluria type 3. Last evaluated: 2018-01-13. Review status: criteria provided, single submitter. Criteria: ICSL Variant Classification Criteria 13 December 2019. Collection method: clinical testing. Allele origin: germline.